The following is an entry in ClinVar:

ClinVar aggregate classification (germline): Uncertain significance. Review status: criteria provided, multiple submitters, no conflicts (2 of 4 stars). 2 submissions from 2 submitters: Uncertain significance (2). Last evaluated 2025-06-08.

Conditions:
Rhabdoid tumor predisposition syndrome 2 (RTPS2). Identifiers: Orphanet 231108, Orphanet 69077, MedGen C2750074, MONDO:0013224, OMIM 613325.
Hereditary cancer-predisposing syndrome. Also called: Tumor predisposition; Hereditary neoplastic syndrome; Hereditary Cancer Syndrome; Neoplastic Syndromes, Hereditary. Identifiers: Orphanet 140162, MedGen C0027672, MeSH D009386, MONDO:0015356.

Submissions (2):

Ambry Genetics
Classification: Uncertain significance for Hereditary cancer-predisposing syndrome. Last evaluated: 2025-06-08. Review status: criteria provided, single submitter. Criteria: Ambry Variant Classification Scheme 2023. Collection method: clinical testing. Allele origin: germline.
Comment: The p.M106K variant (also known as c.317T>A), located in coding exon 2 of the SMARCA4 gene, results from a T to A substitution at nucleotide position 317. The methionine at codon 106 is replaced by lysine, an amino acid with similar properties. This amino acid position is conserved. In addition, this alteration is predicted to be deleterious by in silico analysis. Based on the available evidence, the clinical significance of this variant remains unclear.

Labcorp Genetics (formerly Invitae), Labcorp
Classification: Uncertain significance for Rhabdoid tumor predisposition syndrome 2. Last evaluated: 2025-05-27. Review status: criteria provided, single submitter. Criteria: Invitae Variant Classification Sherloc (09022015). Collection method: clinical testing. Allele origin: germline.
Comment: This sequence change replaces methionine, which is neutral and non-polar, with lysine, which is basic and polar, at codon 106 of the SMARCA4 protein (p.Met106Lys). This variant is not present in population databases (gnomAD no frequency). This variant has not been reported in the literature in individuals affected with SMARCA4-related conditions. Invitae Evidence Modeling of protein sequence and biophysical properties (such as structural, functional, and spatial information, amino acid conservation, physicochemical variation, residue mobility, and thermodynamic stability) indicates that this missense variant is not expected to disrupt SMARCA4 protein function with a negative predictive value of 80%. In summary, the available evidence is currently insufficient to determine the role of this variant in disease. Therefore, it has been classified as a Variant of Uncertain Significance.

NM_003072.5(SMARCA4):c.317T>A (p.Met106Lys)

Gene: SMARCA4 (SWI/SNF related BAF chromatin remodeling complex subunit ATPase 4; plus strand). Cytogenetic location: 19p13.2.
Variant type: single nucleotide variant.
Coding change: c.317T>A on transcript NM_003072.5 (MANE Select); coding-DNA position 317, T replaced by A.
Protein change: p.Met106Lys; replaces methionine 106 with lysine.
Molecular consequence: missense variant. On other transcripts: non-coding transcript variant (1).
Genome position (GRCh38, 1-based): chr19:10,985,367, T>A. VCF-style: chr19-10985367-T-A. GRCh37 (hg19) VCF-style: chr19-11096043-T-A.
Other names: c.317T>A, p.Met106Lys (NM_001128844.3, NM_001128845.2, NM_001128846.2 and 6 more transcripts); short protein forms M106K.
Identifiers: ClinVar variation 3958486 (VCV003958486.2).
Genomic context (GRCh38, chr19:10,985,367, plus strand): 5'-ACGACCCGCGCTACAACCAGATGAAAGGAATGGGGATGCGGTCAGGGGGCCATGCTGGGA[T>A]GGGGCCCCCGCCCAGCCCCATGGACCAGCACTCCCAAGGTACAGAACTGCGTTCCTTCCT-3'
Protein context (NP_003063.2, residues 96-116): MGMRSGGHAG[Met106Lys]GPPPSPMDQH